The following is an entry in ClinVar:

ClinVar aggregate classification (germline): Uncertain significance (1 of 4 stars; one submission).

Conditions:
Inborn genetic diseases. Identifiers: MedGen C0950123, MeSH D030342.

gnomAD v4.1: 1 of 1,609,570 alleles (0.000062%); highest among the groups gnomAD compares: African/African-American, 0.0013%; no homozygotes.

Submission:

Ambry Genetics
Classification: Uncertain significance for Inborn genetic diseases. Last evaluated: 2025-09-21. Review status: criteria provided, single submitter. Criteria: Ambry Variant Classification Scheme 2023. Collection method: clinical testing. Allele origin: germline.
Comment: The p.S1236T variant (also known as c.3707G>C), located in coding exon 1 of the SAMD9 gene, results from a G to C substitution at nucleotide position 3707. The serine at codon 1236 is replaced by threonine, an amino acid with similar properties. This amino acid position is conserved. In addition, this alteration is predicted to be tolerated by in silico analysis. Based on the available evidence, the clinical significance of this variant remains unclear.

NM_017654.4(SAMD9):c.3707G>C (p.Ser1236Thr)

Gene: SAMD9 (sterile alpha motif domain containing 9; minus strand). Cytogenetic location: 7q21.2.
Variant type: single nucleotide variant.
Coding change: c.3707G>C on transcript NM_017654.4 (MANE Select); coding-DNA position 3707, G replaced by C.
Protein change: p.Ser1236Thr; replaces serine 1236 with threonine.
Molecular consequence: missense variant.
Genome position (GRCh38, 1-based): chr7:93,102,391, C>G on the plus strand (G>C on the coding strand, the complement: SAMD9 is on the minus strand). VCF-style: chr7-93102391-C-G. GRCh37 (hg19) VCF-style: chr7-92731704-C-G.
Other names: c.3707G>C, p.Ser1236Thr (NM_001193307.2); short protein forms S1236T.
Identifiers: ClinVar variation 4629812 (VCV004629812.1).